The following is an entry in ClinVar:

NM_000520.6(HEXA):c.1559G>C (p.Gly520Ala)

Gene: HEXA (hexosaminidase subunit alpha; minus strand). Cytogenetic location: 15q23.
Variant type: single nucleotide variant.
Coding change: c.1559G>C on transcript NM_000520.6 (MANE Select); coding-DNA position 1559, G replaced by C.
Protein change: p.Gly520Ala; replaces glycine 520 with alanine.
Molecular consequence: missense variant.
Genome position (GRCh38, 1-based): chr15:72,344,108, C>G on the plus strand (G>C on the coding strand, the complement: HEXA is on the minus strand). VCF-style: chr15-72344108-C-G. GRCh37 (hg19) VCF-style: chr15-72636449-C-G.
Other names: c.1592G>C, p.Gly531Ala (NM_001318825.2); short protein forms G520A, G531A.
Identifiers: ClinVar variation 4802394 (VCV004802394.1).

ClinVar aggregate classification (germline): Uncertain significance (1 of 4 stars; one submission).

Conditions:
Tay-Sachs disease (TSD). Also called: HEXA DEFICIENCY; HEXA Disorders; GM2 gangliosidosis, type 1; Hexosaminidase alpha-subunit deficiency (variant B); Sphingolipidosis, Tay-Sachs; Hexosaminidase A Deficiency. Identifiers: Orphanet 845, MedGen C0039373, MONDO:0010100, OMIM 272800.

Submission:

Labcorp Genetics (formerly Invitae), Labcorp
Classification: Uncertain significance for Tay-Sachs disease. Last evaluated: 2025-06-25. Review status: criteria provided, single submitter. Criteria: Invitae Variant Classification Sherloc (09022015). Collection method: clinical testing. Allele origin: germline.
Comment: This sequence change replaces glycine, which is neutral and non-polar, with alanine, which is neutral and non-polar, at codon 520 of the HEXA protein (p.Gly520Ala). This variant is not present in population databases (gnomAD no frequency). This variant has not been reported in the literature in individuals affected with HEXA-related conditions. Invitae Evidence Modeling of protein sequence and biophysical properties (such as structural, functional, and spatial information, amino acid conservation, physicochemical variation, residue mobility, and thermodynamic stability) indicates that this missense variant is expected to disrupt HEXA protein function with a positive predictive value of 95%. In summary, the available evidence is currently insufficient to determine the role of this variant in disease. Therefore, it has been classified as a Variant of Uncertain Significance.